The following is an entry in ClinVar:

NM_000426.4(LAMA2):c.6555T>A (p.Tyr2185Ter)

Gene: LAMA2 (laminin subunit alpha 2; plus strand). Cytogenetic location: 6q22.33.
Variant type: single nucleotide variant.
Coding change: c.6555T>A on transcript NM_000426.4 (MANE Select); coding-DNA position 6555, T replaced by A.
Protein change: p.Tyr2185Ter; replaces tyrosine 2185 with a stop codon.
Molecular consequence: nonsense.
Genome position (GRCh38, 1-based): chr6:129,453,113, T>A. VCF-style: chr6-129453113-T-A. GRCh37 (hg19) VCF-style: chr6-129774258-T-A.
Other names: c.6555T>A, p.Tyr2185Ter (NM_001079823.2); short protein forms Y2185*.
Identifiers: ClinVar variation 2029419 (VCV002029419.4), dbSNP rs1443093432, ClinGen allele CA365616759.

ClinVar aggregate classification (germline): Pathogenic (1 of 4 stars; one submission).

Conditions:
LAMA2-related muscular dystrophy (LAMA2-RD). Also called: Laminin alpha 2-related dystrophy. Identifiers: MedGen C5679788, MONDO:0100228.

Submission:

Labcorp Genetics (formerly Invitae), Labcorp
Classification: Pathogenic for LAMA2-related muscular dystrophy. Last evaluated: 2022-09-07. Review status: criteria provided, single submitter. Criteria: Invitae Variant Classification Sherloc (09022015). Collection method: clinical testing. Allele origin: germline.
Comment: For these reasons, this variant has been classified as Pathogenic. This variant has not been reported in the literature in individuals affected with LAMA2-related conditions. This variant is not present in population databases (gnomAD no frequency). This sequence change creates a premature translational stop signal (p.Tyr2185*) in the LAMA2 gene. It is expected to result in an absent or disrupted protein product. Loss-of-function variants in LAMA2 are known to be pathogenic (PMID: 18700894, 32904964).

Literature cited by the submitters: PubMed 18700894; PubMed 32904964.